The following is an entry in ClinVar:

NM_001323289.2(CDKL5):c.1230A>T (p.Glu410Asp)

Gene: CDKL5 (cyclin dependent kinase like 5; plus strand). Cytogenetic location: Xp22.13.
Variant type: single nucleotide variant.
Coding change: c.1230A>T on transcript NM_001323289.2 (MANE Select); coding-DNA position 1230, A replaced by T.
Protein change: p.Glu410Asp; replaces glutamic acid 410 with aspartic acid.
Molecular consequence: missense variant.
Genome position (GRCh38, 1-based): chrX:18,604,154, A>T. VCF-style: chrX-18604154-A-T. GRCh37 (hg19) VCF-style: chrX-18622274-A-T.
Other names: c.1230A>T, p.Glu410Asp (NM_001037343.2, NM_003159.3); short protein forms E410D.
Identifiers: ClinVar variation 1974416 (VCV001974416.5), dbSNP rs762247736, ClinGen allele CA412360031.
Genomic context (GRCh38, chrX:18,604,154, plus strand): 5'-TGGGTCTACCAGCAAAGATCTCACCAACAACAACATACCACACCTTCTTAGCCCAAAAGA[A>T]GCCAAGTCAAAAACAGAGTTTGATTTTAATATTGACCCAAAGCCTTCAGAAGGCCCAGGG-3'
Protein context (NP_001310218.1, residues 400-420): NNIPHLLSPK[Glu410Asp]AKSKTEFDFN

ClinVar aggregate classification (germline): Uncertain significance (1 of 4 stars; one submission).

Conditions:
Developmental and epileptic encephalopathy, 2 (DEE2). Also called: INFANTILE SPASM SYNDROME, X-LINKED 2; CDKL5 deficiency disorder. Identifiers: Orphanet 1934, Orphanet 3451, Orphanet 505652, MedGen C4750718, MONDO:0010396, OMIM 300672.
Angelman syndrome-like. Identifiers: MedGen CN128785.

Submission:

Labcorp Genetics (formerly Invitae), Labcorp
Classification: Uncertain significance for Developmental and epileptic encephalopathy, 2; Angelman syndrome-like. Last evaluated: 2022-08-28. Review status: criteria provided, single submitter. Criteria: Invitae Variant Classification Sherloc (09022015). Collection method: clinical testing. Allele origin: germline.
Comment: In summary, the available evidence is currently insufficient to determine the role of this variant in disease. Therefore, it has been classified as a Variant of Uncertain Significance. Advanced modeling of protein sequence and biophysical properties (such as structural, functional, and spatial information, amino acid conservation, physicochemical variation, residue mobility, and thermodynamic stability) performed at Invitae indicates that this missense variant is not expected to disrupt CDKL5 protein function. This sequence change replaces glutamic acid, which is acidic and polar, with aspartic acid, which is acidic and polar, at codon 410 of the CDKL5 protein (p.Glu410Asp). This variant is not present in population databases (gnomAD no frequency). This variant has not been reported in the literature in individuals affected with CDKL5-related conditions.